The following is an entry in ClinVar:

ClinVar aggregate classification (germline): Uncertain significance. Review status: criteria provided, multiple submitters, no conflicts (2 of 4 stars). 3 submissions from 3 submitters: Uncertain significance (3). Last evaluated 2025-06-19.

Conditions:
Familial thoracic aortic aneurysm and aortic dissection (TAAD). Also called: Thoracic aortic aneurysms and dissections. Identifiers: Orphanet 91387, MedGen C4707243, MONDO:0019625.
Marfan syndrome (MFS). Also called: FBN1-Related Marfan Syndrome; Marfan syndrome type 1; Marfan's syndrome; Marfan syndrome, classic; MARFAN SYNDROME, TYPE I. Identifiers: Orphanet 284963, Orphanet 558, MedGen C0024796, MONDO:0007947, OMIM 154700.

Allele frequency attached by ClinVar (database versions not stated): gnomAD exomes below 0.00001.
gnomAD v4.1: 1 of 1,614,164 alleles (0.000062%); highest among the groups gnomAD compares: Non-Finnish European, 0.000085%; no homozygotes.

Submissions (3):

Labcorp Genetics (formerly Invitae), Labcorp
Classification: Uncertain significance for Marfan syndrome; Familial thoracic aortic aneurysm and aortic dissection. Last evaluated: 2025-06-19. Review status: criteria provided, single submitter. Criteria: Invitae Variant Classification Sherloc (09022015). Collection method: clinical testing. Allele origin: germline.
Comment: This sequence change replaces threonine, which is neutral and polar, with isoleucine, which is neutral and non-polar, at codon 1842 of the FBN1 protein (p.Thr1842Ile). This variant is not present in population databases (gnomAD no frequency). This variant has not been reported in the literature in individuals affected with FBN1-related conditions. ClinVar contains an entry for this variant (Variation ID: 626591). Invitae Evidence Modeling of protein sequence and biophysical properties (such as structural, functional, and spatial information, amino acid conservation, physicochemical variation, residue mobility, and thermodynamic stability) has been performed for this missense variant. However, the output from this modeling did not meet the statistical confidence thresholds required to predict the impact of this variant on FBN1 protein function. In summary, the available evidence is currently insufficient to determine the role of this variant in disease. Therefore, it has been classified as a Variant of Uncertain Significance.

GeneDx
Classification: Uncertain significance. Last evaluated: 2025-06-05. Review status: criteria provided, single submitter. Criteria: GeneDx Variant Classification Process June 2021. Collection method: clinical testing. Allele origin: germline. Affected: yes.
Comment: Not observed at significant frequency in large population cohorts (gnomAD); In silico analysis supports that this missense variant has a deleterious effect on protein structure/function; Has not been previously published as pathogenic or benign to our knowledge; Does not affect a cysteine or calcium-binding residue within an EGF-like domain or a TGF-binding protein domain of the FBN1 gene; cysteine substitutions in the EGF-like domains represent the majority of pathogenic missense changes associated with FBN1-related disorders (PMID: 12938084); This variant is associated with the following publications: (PMID: 12938084)

CHEO Genetics Diagnostic Laboratory, Children's Hospital of Eastern Ontario
Classification: Uncertain significance for Familial thoracic aortic aneurysm and aortic dissection. Last evaluated: 2019-12-05. Review status: criteria provided, single submitter. Criteria: ACMG Guidelines, 2015. Collection method: clinical testing. Allele origin: germline.

NM_000138.5(FBN1):c.5525C>T (p.Thr1842Ile)

Gene: FBN1 (fibrillin 1; minus strand). Cytogenetic location: 15q21.1.
Variant type: single nucleotide variant.
Coding change: c.5525C>T on transcript NM_000138.5 (MANE Select); coding-DNA position 5525, C replaced by T.
Protein change: p.Thr1842Ile; replaces threonine 1842 with isoleucine.
Molecular consequence: missense variant.
Genome position (GRCh38, 1-based): chr15:48,452,582, G>A on the plus strand (C>T on the coding strand, the complement: FBN1 is on the minus strand). VCF-style: chr15-48452582-G-A. GRCh37 (hg19) VCF-style: chr15-48744779-G-A.
Other names: short protein forms T1842I.
Identifiers: ClinVar variation 626591 (VCV000626591.8), dbSNP rs1566900477, ClinGen allele CA392343956.